The following is an entry in ClinVar:

ClinVar aggregate classification (germline): Pathogenic/Likely pathogenic. Review status: criteria provided, multiple submitters, no conflicts (2 of 4 stars). 5 submissions from 5 submitters: Pathogenic (3); Likely pathogenic (2). Last evaluated 2025-10-01.

Conditions:
SLC38A8-related disorder. Also called: SLC38A8-related condition.
Foveal hypoplasia - optic nerve decussation defect - anterior segment dysgenesis syndrome. Also called: FOVEAL HYPOPLASIA 2 WITH OPTIC NERVE DECUSSATION DEFECTS AND ANTERIOR SEGMENT DYSGENESIS WITHOUT ALBINISM; Foveal hypoplasia 2; FOVEAL HYPOPLASIA 2 WITH OR WITHOUT OPTIC NERVE MISROUTING AND/OR ANTERIOR SEGMENT DYSGENESIS; FOVEAL HYPOPLASIA 2 WITH OR WITHOUT MICROPHTHALMIA OR COLOBOMA. Identifiers: Orphanet 397618, MedGen C3807873, MONDO:0012216, OMIM 609218.

gnomAD v4.1: 21 of 1,614,100 alleles (0.0013%); highest among the groups gnomAD compares: Non-Finnish European, 0.0018%; no homozygotes.

Submissions (5):

Labcorp Genetics (formerly Invitae), Labcorp
Classification: Pathogenic. Last evaluated: 2025-10-01. Review status: criteria provided, single submitter. Criteria: Invitae Variant Classification Sherloc (09022015). Collection method: clinical testing. Allele origin: germline.
Comment: This sequence change affects a donor splice site in intron 2 of the SLC38A8 gene. It is expected to disrupt RNA splicing. Variants that disrupt the donor or acceptor splice site typically lead to a loss of protein function (PMID: 16199547), and loss-of-function variants in SLC38A8 are known to be pathogenic (PMID: 24290379). This variant is present in population databases (rs149436446, gnomAD 0.004%). Disruption of this splice site has been observed in individual(s) with clinical features of SLC38A8-related conditions (internal data). In at least one individual the data is consistent with being in trans (on the opposite chromosome) from a pathogenic variant. ClinVar contains an entry for this variant (Variation ID: 1686210). Algorithms developed to predict the effect of sequence changes on RNA splicing suggest that this variant may disrupt the consensus splice site. For these reasons, this variant has been classified as Pathogenic.

Dasa
Classification: Pathogenic. Last evaluated: 2025-09-12. Review status: criteria provided, single submitter. Criteria: DASA Assertion Criteria. Collection method: clinical testing. Allele origin: germline.
Comment: NM_001080442.3(SLC38A8):c.388+1G>T introduces a premature termination codon predicted to result in loss of normal protein function. Loss-of-function is an established mechanism of disease for this gene. This variant has been observed in affected individuals with related phenotype in a genotype context consistent with recessive disease (PMID: 39275842). This variant has been reported in individuals with related phenotype (PMID: 39275842). The variant is present at low frequency in population datasets. Based on the available data, this variant is classified as pathogenic.

Department of Pathology and Laboratory Medicine, Sinai Health System
Classification: Likely pathogenic for Foveal hypoplasia - optic nerve decussation defect - anterior segment dysgenesis syndrome. Last evaluated: 2023-09-19. Review status: criteria provided, single submitter. Criteria: ACMG Guidelines, 2015. Collection method: research. Allele origin: germline.

Blueprint Genetics
Classification: Likely pathogenic for SLC38A8-related disorders. Last evaluated: 2023-08-17. Review status: criteria provided, single submitter. Criteria: ACMG Guidelines, 2015. Collection method: clinical testing. Allele origin: germline. Affected: yes. Observed: 5 variant alleles.

Mendelics
Classification: Pathogenic for Foveal hypoplasia - optic nerve decussation defect - anterior segment dysgenesis syndrome. Last evaluated: 2022-05-04. Review status: criteria provided, single submitter. Criteria: Mendelics Assertion Criteria 2019. Collection method: clinical testing. Allele origin: germline.

Literature cited by the submitters: PubMed 16199547 (cited by Labcorp Genetics (formerly Invitae), Labcorp); PubMed 24290379 (cited by Labcorp Genetics (formerly Invitae), Labcorp); PubMed 39275842 (cited by Dasa).

NM_001080442.3(SLC38A8):c.388+1G>T

Gene: SLC38A8 (solute carrier family 38 member 8; minus strand). Cytogenetic location: 16q23.3.
Variant type: single nucleotide variant.
Coding change: c.388+1G>T on transcript NM_001080442.3 (MANE Select); the canonical splice donor site of the intron after coding-DNA position 388, G replaced by T.
Molecular consequence: splice donor variant.
Genome position (GRCh38, 1-based): chr16:84,036,701, C>A on the plus strand (G>T on the coding strand, the complement: SLC38A8 is on the minus strand). VCF-style: chr16-84036701-C-A. GRCh37 (hg19) VCF-style: chr16-84070306-C-A.
Identifiers: ClinVar variation 1686210 (VCV001686210.7), dbSNP rs149436446, ClinGen allele CA8200350.
Genomic context (GRCh38, chr16:84,036,701, plus strand): 5'-TCCAAGAGGTCATTAGAGGTCCGGCACCCTGGGCCACCCCGAGTCCCATGAAGGTACTTA[C>A]GCTTCTCCAGCTGGTCCCCGATCACCCTGAGGAAGGCCACGGAGATCATGAGCAGGTTGA-3'